The following is an entry in ClinVar:

ClinVar aggregate classification (germline): Uncertain significance (1 of 4 stars; one submission).

gnomAD v4.1: 4 of 1,614,058 alleles (0.00025%); highest among the groups gnomAD compares: Non-Finnish European, 0.00025%; no homozygotes.

Submission:

Labcorp Genetics (formerly Invitae), Labcorp
Classification: Uncertain significance. Last evaluated: 2024-03-21. Review status: criteria provided, single submitter. Criteria: Invitae Variant Classification Sherloc (09022015). Collection method: clinical testing. Allele origin: germline.
Comment: This sequence change replaces glycine, which is neutral and non-polar, with serine, which is neutral and polar, at codon 496 of the FLNB protein (p.Gly496Ser). This variant is present in population databases (no rsID available, gnomAD 0.0009%). This variant has not been reported in the literature in individuals affected with FLNB-related conditions. An algorithm developed to predict the effect of missense changes on protein structure and function (PolyPhen-2) suggests that this variant is likely to be disruptive. In summary, the available evidence is currently insufficient to determine the role of this variant in disease. Therefore, it has been classified as a Variant of Uncertain Significance.

NM_001457.4(FLNB):c.1486G>A (p.Gly496Ser)

Gene: FLNB (filamin B; plus strand). Cytogenetic location: 3p14.3.
Variant type: single nucleotide variant.
Coding change: c.1486G>A on transcript NM_001457.4 (MANE Select); coding-DNA position 1486, G replaced by A.
Protein change: p.Gly496Ser; replaces glycine 496 with serine.
Molecular consequence: missense variant.
Genome position (GRCh38, 1-based): chr3:58,103,961, G>A. VCF-style: chr3-58103961-G-A. GRCh37 (hg19) VCF-style: chr3-58089688-G-A.
Other names: c.1486G>A, p.Gly496Ser (NM_001164317.2, NM_001164318.2, NM_001164319.2); short protein forms G496S.
Identifiers: ClinVar variation 3674298 (VCV003674298.2).